The following is an entry in ClinVar:

NM_001369.3(DNAH5):c.8000G>A (p.Trp2667Ter)

Gene: DNAH5 (dynein axonemal heavy chain 5; minus strand). Cytogenetic location: 5p15.2.
Variant type: single nucleotide variant.
Coding change: c.8000G>A on transcript NM_001369.3 (MANE Select); coding-DNA position 8000, G replaced by A.
Protein change: p.Trp2667Ter; replaces tryptophan 2667 with a stop codon.
Molecular consequence: nonsense.
Genome position (GRCh38, 1-based): chr5:13,793,946, C>T on the plus strand (G>A on the coding strand, the complement: DNAH5 is on the minus strand). VCF-style: chr5-13793946-C-T. GRCh37 (hg19) VCF-style: chr5-13794055-C-T.
Other names: short protein forms W2667*.
Identifiers: ClinVar variation 1362173 (VCV001362173.6), dbSNP rs1757433662, ClinGen allele CA359221788.

ClinVar aggregate classification (germline): Pathogenic (1 of 4 stars; one submission).

Conditions:
Primary ciliary dyskinesia. Also called: Ciliary dyskinesia. Identifiers: Orphanet 244, MedGen C0008780, MONDO:0016575, HP:0012265.

Allele frequency attached by ClinVar (database versions not stated): TOPMed below 0.00001.

Submission:

Labcorp Genetics (formerly Invitae), Labcorp
Classification: Pathogenic for Primary ciliary dyskinesia. Last evaluated: 2022-01-24. Review status: criteria provided, single submitter. Criteria: Invitae Variant Classification Sherloc (09022015). Collection method: clinical testing. Allele origin: germline.
Comment: For these reasons, this variant has been classified as Pathogenic. This variant has not been reported in the literature in individuals affected with DNAH5-related conditions. This variant is not present in population databases (gnomAD no frequency). This sequence change creates a premature translational stop signal (p.Trp2667*) in the DNAH5 gene. It is expected to result in an absent or disrupted protein product. Loss-of-function variants in DNAH5 are known to be pathogenic (PMID: 11788826, 16627867).

Literature cited by the submitters: PubMed 11788826; PubMed 16627867.